The following is an entry in ClinVar:

ClinVar aggregate classification (germline): Pathogenic (1 of 4 stars; one submission).

Submission:

GeneDx
Classification: Pathogenic. Last evaluated: 2021-08-26. Review status: criteria provided, single submitter. Criteria: GeneDx Variant Classification Process June 2021. Collection method: clinical testing. Allele origin: germline. Affected: yes.
Comment: Canonical splice site variant predicted to result in a null allele in a gene for which loss-of-function is a known mechanism of disease; Not observed at significant frequency in large population cohorts (Lek et al., 2016); This variant is associated with the following publications: (PMID: 26633542)

NM_004826.4(ECEL1):c.1185-2A>G

Gene: ECEL1 (endothelin converting enzyme like 1; minus strand). Cytogenetic location: 2q37.1.
Variant type: single nucleotide variant.
Coding change: c.1185-2A>G on transcript NM_004826.4 (MANE Select); the canonical splice acceptor site of the intron before coding-DNA position 1185, A replaced by G.
Molecular consequence: splice acceptor variant.
Genome position (GRCh38, 1-based): chr2:232,484,225, T>C on the plus strand (A>G on the coding strand, the complement: ECEL1 is on the minus strand). VCF-style: chr2-232484225-T-C. GRCh37 (hg19) VCF-style: chr2-233348935-T-C.
Other names: c.1185-2A>G (NM_001290787.2).
Identifiers: ClinVar variation 1254652 (VCV001254652.2), dbSNP rs2106185000, ClinGen allele CA351000095.